The following is an entry in ClinVar:

NM_001197104.2(KMT2A):c.4868C>A (p.Thr1623Asn)

Gene: KMT2A (lysine methyltransferase 2A; plus strand). Cytogenetic location: 11q23.3.
Variant type: single nucleotide variant.
Coding change: c.4868C>A on transcript NM_001197104.2 (MANE Select); coding-DNA position 4868, C replaced by A.
Protein change: p.Thr1623Asn; replaces threonine 1623 with asparagine.
Molecular consequence: missense variant.
Genome position (GRCh38, 1-based): chr11:118,491,792, C>A. VCF-style: chr11-118491792-C-A. GRCh37 (hg19) VCF-style: chr11-118362507-C-A.
Other names: c.4958C>A, p.Thr1653Asn (NM_001412597.1); c.4859C>A, p.Thr1620Asn (NM_005933.4); short protein forms T1620N, T1623N, T1653N.
Identifiers: ClinVar variation 2985733 (VCV002985733.4), dbSNP rs782089764, ClinGen allele CA6303962.
Genomic context (GRCh38, chr11:118,491,792, plus strand): 5'-TTGTTTTCTTAGATGAGATGTATGAGATTCTATCTAATCTGCCAGAAAGTGTGGCCTACA[C>A]TTGTGTGAACTGTACTGAGCGGCACCCTGCAGAGTGGCGACTGGCCCTTGAAAAAGAGCT-3'
Protein context (NP_001184033.1, residues 1613-1633): LSNLPESVAY[Thr1623Asn]CVNCTERHPA

ClinVar aggregate classification (germline): Uncertain significance. Review status: criteria provided, multiple submitters, no conflicts (2 of 4 stars). 2 submissions from 2 submitters: Uncertain significance (2). Last evaluated 2025-02-14.

Conditions:
Inborn genetic diseases. Identifiers: MedGen C0950123, MeSH D030342.

Allele frequency attached by ClinVar (database versions not stated): gnomAD exomes below 0.00001; ExAC 0.00001.
gnomAD v4.1: 1 of 1,613,484 alleles (0.000062%); highest among the groups gnomAD compares: Admixed American, 0.0017%; no homozygotes.

Submissions (2):

Ambry Genetics
Classification: Uncertain significance for Inborn genetic diseases. Last evaluated: 2025-02-14. Review status: criteria provided, single submitter. Criteria: Ambry Variant Classification Scheme 2023. Collection method: clinical testing. Allele origin: germline.

Labcorp Genetics (formerly Invitae), Labcorp
Classification: Uncertain significance. Last evaluated: 2024-03-20. Review status: criteria provided, single submitter. Criteria: Invitae Variant Classification Sherloc (09022015). Collection method: clinical testing. Allele origin: germline.
Comment: This sequence change replaces threonine, which is neutral and polar, with asparagine, which is neutral and polar, at codon 1623 of the KMT2A protein (p.Thr1623Asn). This variant is present in population databases (rs782089764, gnomAD 0.003%). This variant has not been reported in the literature in individuals affected with KMT2A-related conditions. Advanced modeling of protein sequence and biophysical properties (such as structural, functional, and spatial information, amino acid conservation, physicochemical variation, residue mobility, and thermodynamic stability) has been performed at Invitae for this missense variant, however the output from this modeling did not meet the statistical confidence thresholds required to predict the impact of this variant on KMT2A protein function. In summary, the available evidence is currently insufficient to determine the role of this variant in disease. Therefore, it has been classified as a Variant of Uncertain Significance.